The following is an entry in ClinVar:

ClinVar aggregate classification (germline): Pathogenic (1 of 4 stars; one submission).

Conditions:
Lymphoproliferative syndrome 1 (LPFS1). Identifiers: Orphanet 238505, Orphanet 538963, MedGen C3552634, MONDO:0013081, OMIM 613011.

Submission:

Labcorp Genetics (formerly Invitae), Labcorp
Classification: Pathogenic for Lymphoproliferative syndrome 1. Last evaluated: 2024-08-02. Review status: criteria provided, single submitter. Criteria: Invitae Variant Classification Sherloc (09022015). Collection method: clinical testing. Allele origin: germline.
Comment: This sequence change creates a premature translational stop signal (p.Lys291*) in the ITK gene. It is expected to result in an absent or disrupted protein product. Loss-of-function variants in ITK are known to be pathogenic (PMID: 16860760, 22289921, 26056787). This variant is not present in population databases (gnomAD no frequency). This variant has not been reported in the literature in individuals affected with ITK-related conditions. Algorithms developed to predict the effect of sequence changes on RNA splicing suggest that this variant may disrupt the consensus splice site. For these reasons, this variant has been classified as Pathogenic.

Literature cited by the submitters: PubMed 16860760; PubMed 22289921; PubMed 26056787.

NM_005546.4(ITK):c.871A>T (p.Lys291Ter)

Gene: ITK (IL2 inducible T cell kinase; plus strand). Cytogenetic location: 5q33.3.
Variant type: single nucleotide variant.
Coding change: c.871A>T on transcript NM_005546.4 (MANE Select); coding-DNA position 871, A replaced by T.
Protein change: p.Lys291Ter; replaces lysine 291 with a stop codon.
Molecular consequence: nonsense.
Genome position (GRCh38, 1-based): chr5:157,240,081, A>T. VCF-style: chr5-157240081-A-T. GRCh37 (hg19) VCF-style: chr5-156667091-A-T.
Other names: short protein forms K291*.
Identifiers: ClinVar variation 3661212 (VCV003661212.2).